The following is an entry in ClinVar:

ClinVar aggregate classification (germline): Benign/Likely benign. Review status: criteria provided, multiple submitters, no conflicts (2 of 4 stars). 3 submissions from 3 submitters: Benign (2); Likely benign (1). Last evaluated 2025-08-20.

Allele frequency attached by ClinVar (database versions not stated): gnomAD exomes 0.00039 and 0.00086; TOPMed 0.00039; gnomAD 0.00043; ESP Exome Variant Server 0.00069; ExAC 0.00071.

Submissions (3):

Labcorp Genetics (formerly Invitae), Labcorp
Classification: Benign. Last evaluated: 2025-08-20. Review status: criteria provided, single submitter. Criteria: Invitae Variant Classification Sherloc (09022015). Collection method: clinical testing. Allele origin: germline.

CeGaT Center for Human Genetics Tuebingen
Classification: Likely benign. Last evaluated: 2023-03-01. Review status: criteria provided, single submitter. Criteria: CeGaT Center For Human Genetics Tuebingen Variant Classification Criteria Version 2. Collection method: clinical testing. Allele origin: germline. Affected: yes. Observed: 1 variant allele.
Comment: NRIP1: BP4, BS2

Breakthrough Genomics
Classification: Benign. Review status: criteria provided, single submitter. Criteria: ACMG Guidelines, 2015. Collection method: not provided. Allele origin: germline. Inheritance: Autosomal dominant inheritance. Affected: yes.

NM_003489.4(NRIP1):c.2255T>C (p.Met752Thr)

Gene: NRIP1 (nuclear receptor interacting protein 1; minus strand). Cytogenetic location: 21q11.2.
Variant type: single nucleotide variant.
Coding change: c.2255T>C on transcript NM_003489.4 (MANE Select); coding-DNA position 2255, T replaced by C.
Protein change: p.Met752Thr; replaces methionine 752 with threonine.
Molecular consequence: missense variant.
Genome position (GRCh38, 1-based): chr21:14,965,938, A>G on the plus strand (T>C on the coding strand, the complement: NRIP1 is on the minus strand). VCF-style: chr21-14965938-A-G. GRCh37 (hg19) VCF-style: chr21-16338259-A-G.
Other names: short protein forms M752T.
Identifiers: ClinVar variation 782067 (VCV000782067.34), dbSNP rs138323910, ClinGen allele CA9981183.